The following is an entry in ClinVar:

ClinVar aggregate classification (germline): Uncertain significance. Review status: criteria provided, multiple submitters, no conflicts (2 of 4 stars). 2 submissions from 2 submitters: Uncertain significance (2). Last evaluated 2025-05-15.

Conditions:
Epidermolysis bullosa simplex 5B, with muscular dystrophy (EBS5B). Also called: EPIDERMOLYSIS BULLOSA SIMPLEX AND LIMB-GIRDLE MUSCULAR DYSTROPHY; Epidermolysis bullosa simplex with muscular dystrophy. Identifiers: Orphanet 257, MedGen C2931072, MONDO:0009181, OMIM 226670.
Epidermolysis bullosa simplex, Ogna type (EBS5A). Also called: Pidermolysis bullosa simplex 5A, Ogna type; EPIDERMOLYSIS BULLOSA SIMPLEX 5A, OGNA TYPE. Identifiers: Orphanet 79401, MedGen C0432317, MONDO:0007555, OMIM 131950.
Epidermolysis bullosa simplex 5C, with pyloric atresia (EBS5C). Also called: PLEC-Related Epidermolysis Bullosa with Pyloric Atresia; Epidermolysis bullosa simplex with pyloric atresia; PLEC1-Related Epidermolysis Bullosa with Pyloric Atresia. Identifiers: Orphanet 158684, MedGen C2677349, MONDO:0012807, OMIM 612138.
Autosomal recessive limb-girdle muscular dystrophy type 2Q (LGMDR17). Also called: MUSCULAR DYSTROPHY, LIMB-GIRDLE, AUTOSOMAL RECESSIVE 17. Identifiers: Orphanet 254361, MedGen C3150989, MONDO:0013390, OMIM 613723.
Epidermolysis bullosa simplex with nail dystrophy (EBS5D). Identifiers: MedGen C4225309, MONDO:0014661, OMIM 616487.

Allele frequency attached by ClinVar (database versions not stated): gnomAD 0.00004; TOPMed 0.00005.

Submissions (2):

Labcorp Genetics (formerly Invitae), Labcorp
Classification: Uncertain significance for Autosomal recessive limb-girdle muscular dystrophy type 2Q; Epidermolysis bullosa simplex, Ogna type; Epidermolysis bullosa simplex with nail dystrophy; Epidermolysis bullosa simplex 5C, with pyloric atresia; Epidermolysis bullosa simplex 5B, with muscular dystrophy. Last evaluated: 2025-05-15. Review status: criteria provided, single submitter. Criteria: Invitae Variant Classification Sherloc (09022015). Collection method: clinical testing. Allele origin: germline.
Comment: This sequence change replaces arginine, which is basic and polar, with glutamine, which is neutral and polar, at codon 3048 of the PLEC protein (p.Arg3048Gln). This variant is present in population databases (rs782393355, gnomAD 0.003%). This variant has not been reported in the literature in individuals affected with PLEC-related conditions. ClinVar contains an entry for this variant (Variation ID: 2052717). Invitae Evidence Modeling of protein sequence and biophysical properties (such as structural, functional, and spatial information, amino acid conservation, physicochemical variation, residue mobility, and thermodynamic stability) indicates that this missense variant is not expected to disrupt PLEC protein function with a negative predictive value of 80%. In summary, the available evidence is currently insufficient to determine the role of this variant in disease. Therefore, it has been classified as a Variant of Uncertain Significance.

Revvity Omics, Revvity
Classification: Uncertain significance. Last evaluated: 2023-10-17. Review status: criteria provided, single submitter. Criteria: ACMG Guidelines, 2015. Collection method: clinical testing. Allele origin: germline.

NM_201384.3(PLEC):c.9062G>A (p.Arg3021Gln)

Gene: PLEC (plectin; minus strand). Cytogenetic location: 8q24.3.
Variant type: single nucleotide variant.
Coding change: c.9062G>A on transcript NM_201384.3 (MANE Select); coding-DNA position 9062, G replaced by A.
Protein change: p.Arg3021Gln; replaces arginine 3021 with glutamine.
Molecular consequence: missense variant.
Genome position (GRCh38, 1-based): chr8:143,920,759, C>T on the plus strand (G>A on the coding strand, the complement: PLEC is on the minus strand). VCF-style: chr8-143920759-C-T. GRCh37 (hg19) VCF-style: chr8-144994927-C-T.
Other names: c.9143G>A, p.Arg3048Gln (NM_000445.5); c.5762G>A, p.Arg1921Gln (NM_001410941.1); c.9020G>A, p.Arg3007Gln (NM_201378.4); c.8996G>A, p.Arg2999Gln (NM_201379.3); c.9473G>A, p.Arg3158Gln (NM_201380.4); c.8966G>A, p.Arg2989Gln (NM_201381.3); c.9062G>A, p.Arg3021Gln (NM_201382.4); c.9074G>A, p.Arg3025Gln (NM_201383.3); short protein forms R2989Q, R3021Q, R3025Q, R3048Q, R2999Q, R3158Q, R1921Q, R3007Q.
Identifiers: ClinVar variation 2052717 (VCV002052717.5), dbSNP rs782393355, ClinGen allele CA187611311.